The following is an entry in ClinVar:

NM_032638.5(GATA2):c.236T>C (p.Leu79Pro)

Gene: GATA2 (GATA binding protein 2; minus strand). Cytogenetic location: 3q21.3.
Variant type: single nucleotide variant.
Coding change: c.236T>C on transcript NM_032638.5 (MANE Select); coding-DNA position 236, T replaced by C.
Protein change: p.Leu79Pro; replaces leucine 79 with proline.
Molecular consequence: missense variant.
Genome position (GRCh38, 1-based): chr3:128,486,362, A>G on the plus strand (T>C on the coding strand, the complement: GATA2 is on the minus strand). VCF-style: chr3-128486362-A-G. GRCh37 (hg19) VCF-style: chr3-128205205-A-G.
Other names: c.236T>C, p.Leu79Pro (NM_001145661.2, NM_001145662.1); short protein forms L79P.
Identifiers: ClinVar variation 2002575 (VCV002002575.4), dbSNP rs2472932340, ClinGen allele CA354407956.

ClinVar aggregate classification (germline): Uncertain significance (1 of 4 stars; one submission).

Conditions:
Deafness-lymphedema-leukemia syndrome. Also called: Lymphedema, primary, with myelodysplasia; Emberger syndrome. Identifiers: Orphanet 3226, MedGen C3279664, MONDO:0013540, OMIM 614038.
Monocytopenia with susceptibility to infections. Also called: MONOCYTOPENIA AND MYCOBACTERIAL INFECTION SYNDROME; MONOCYTOPENIA WITH SUSCEPTIBILITY TO MYCOBACTERIAL, FUNGAL, AND PAPILLOMAVIRUS INFECTIONS AND MYELODYSPLASIA; COMBINED IMMUNODEFICIENCY WITH SUSCEPTIBILITY TO MYCOBACTERIAL, VIRAL, AND FUNGAL INFECTIONS; Dendritic cell, monocyte, B lymphocyte, and natural killer lymphocyte deficiency; IMMUNODEFICIENCY 21; GATA2 DEFICIENCY. Identifiers: Orphanet 228423, MedGen C3280030, MONDO:0013607, OMIM 614172.

Submission:

Labcorp Genetics (formerly Invitae), Labcorp
Classification: Uncertain significance for Monocytopenia with susceptibility to infections; Deafness-lymphedema-leukemia syndrome. Last evaluated: 2022-06-07. Review status: criteria provided, single submitter. Criteria: Invitae Variant Classification Sherloc (09022015). Collection method: clinical testing. Allele origin: germline.
Comment: This sequence change replaces leucine, which is neutral and non-polar, with proline, which is neutral and non-polar, at codon 79 of the GATA2 protein (p.Leu79Pro). This variant is not present in population databases (gnomAD no frequency). This variant has not been reported in the literature in individuals affected with GATA2-related conditions. Algorithms developed to predict the effect of missense changes on protein structure and function are either unavailable or do not agree on the potential impact of this missense change (SIFT: "Tolerated"; PolyPhen-2: "Probably Damaging"; Align-GVGD: "Class C0"). In summary, the available evidence is currently insufficient to determine the role of this variant in disease. Therefore, it has been classified as a Variant of Uncertain Significance.